The following is an entry in ClinVar:

NM_001126108.2(SLC12A3):c.286G>C (p.Glu96Gln)

Gene: SLC12A3 (solute carrier family 12 member 3; plus strand). Cytogenetic location: 16q13.
Variant type: single nucleotide variant.
Coding change: c.286G>C on transcript NM_001126108.2 (MANE Select); coding-DNA position 286, G replaced by C.
Protein change: p.Glu96Gln; replaces glutamic acid 96 with glutamine.
Molecular consequence: missense variant.
Genome position (GRCh38, 1-based): chr16:56,867,073, G>C. VCF-style: chr16-56867073-G-C. GRCh37 (hg19) VCF-style: chr16-56900985-G-C.
Other names: c.286G>C, p.Glu96Gln (NM_000339.3); c.283G>C, p.Glu95Gln (NM_001126107.2); short protein forms E95Q, E96Q.
Identifiers: ClinVar variation 1691214 (VCV001691214.3), dbSNP rs886052156, ClinGen allele CA281492951.
Genomic context (GRCh38, chr16:56,867,073, plus strand): 5'-CAGAGACGCCGTCCCTAGCACCCCTACCTGCCTGACTTGTGGTCTCTGGGCTGCCAGCAG[G>C]AAGGCAGACACCTGCATGCCCTGGCCTTTGACAGCCGGCCCAGCCACGAGATGACTGATG-3'
Protein context (NP_001119580.2, residues 86-106): LADLHSFLKQ[Glu96Gln]GRHLHALAFD

ClinVar aggregate classification (germline): Uncertain significance (1 of 4 stars; one submission).

Allele frequency attached by ClinVar (database versions not stated): TOPMed 0.00004; gnomAD exomes below 0.00001.
gnomAD v4.1: 10 of 1,612,730 alleles (0.00062%); highest among the groups gnomAD compares: Non-Finnish European, 0.00085%; no homozygotes.

Submission:

GeneDx
Classification: Uncertain significance. Last evaluated: 2024-08-26. Review status: criteria provided, single submitter. Criteria: GeneDx Variant Classification Process June 2021. Collection method: clinical testing. Allele origin: germline. Affected: yes.
Comment: Not observed at significant frequency in large population cohorts (gnomAD); In silico analysis indicates that this missense variant does not alter protein structure/function; Has not been previously published as pathogenic or benign to our knowledge; In silico analysis suggests this variant may impact gene splicing. In the absence of RNA/functional studies, the actual effect of this sequence change is unknown.; This variant is associated with the following publications: (PMID: 20888090)